The following is an entry in ClinVar:

NC_000017.10:g.(?_56770005)_(56811583_?)del

Gene: RAD51C (RAD51 paralog C; plus strand). Cytogenetic location: 17q22.
Variant type: Deletion.
Identifiers: ClinVar variation 3243078 (VCV003243078.1).

ClinVar aggregate classification (germline): Pathogenic (1 of 4 stars; one submission).

Conditions:
Fanconi anemia complementation group O. Also called: RAD51C-Related Fanconi Anemia. Identifiers: Orphanet 84, MedGen C3150653, MONDO:0013248, OMIM 613390.

Submission:

Labcorp Genetics (formerly Invitae), Labcorp
Classification: Pathogenic for Fanconi anemia complementation group O. Last evaluated: 2024-01-27. Review status: criteria provided, single submitter. Criteria: Invitae Variant Classification Sherloc (09022015). Collection method: clinical testing. Allele origin: unknown.
Comment: A gross deletion of the genomic region encompassing the full coding sequence of the RAD51C gene has been identified. Loss-of-function variants in RAD51C are known to be pathogenic (PMID: 20400964, 21990120, 24800917, 29278735). The boundaries of this event are unknown as they extend beyond the assayed region for this gene and therefore may encompass additional genes. This variant has not been reported in the literature in individuals affected with RAD51C-related conditions. For these reasons, this variant has been classified as Pathogenic.

Literature cited by the submitters: PubMed 20400964; PubMed 21990120; PubMed 24800917; PubMed 29278735.